The following is an entry in ClinVar:

NM_000051.4(ATM):c.5755C>G (p.Gln1919Glu)

Gene: ATM (ATM serine/threonine kinase; plus strand). Cytogenetic location: 11q22.3.
Variant type: single nucleotide variant.
Coding change: c.5755C>G on transcript NM_000051.4 (MANE Select); coding-DNA position 5755, C replaced by G.
Protein change: p.Gln1919Glu; replaces glutamine 1919 with glutamic acid.
Molecular consequence: missense variant.
Genome position (GRCh38, 1-based): chr11:108,307,977, C>G. VCF-style: chr11-108307977-C-G. GRCh37 (hg19) VCF-style: chr11-108178704-C-G.
Other names: c.5755C>G, p.Gln1919Glu (NM_001351834.2); short protein forms Q1919E.
Identifiers: ClinVar variation 1475678 (VCV001475678.9), dbSNP rs2083823146, ClinGen allele CA382548010.

ClinVar aggregate classification (germline): Uncertain significance. Review status: criteria provided, multiple submitters, no conflicts (2 of 4 stars). 2 submissions from 2 submitters: Uncertain significance (2). Last evaluated 2021-12-22.

Conditions:
Hereditary cancer-predisposing syndrome. Also called: Hereditary neoplastic syndrome; Tumor predisposition; Neoplastic Syndromes, Hereditary; Hereditary Cancer Syndrome. Identifiers: Orphanet 140162, MedGen C0027672, MeSH D009386, MONDO:0015356.
Ataxia-telangiectasia syndrome (AT). Also called: ATAXIA-TELANGIECTASIA, COMPLEMENTATION GROUP A; ATAXIA-TELANGIECTASIA, FRESNO VARIANT; LOUIS-BAR SYNDROME; Ataxia-telangiectasia; Cerebello-oculocutaneous telangiectasia; Immunodeficiency with ataxia telangiectasia. Identifiers: Orphanet 100, MedGen C0004135, MONDO:0008840, OMIM 208900.

Submissions (2):

Sema4
Classification: Uncertain significance for Hereditary cancer-predisposing syndrome. Last evaluated: 2021-12-22. Review status: criteria provided, single submitter. Criteria: Sema4 Curation Guidelines. Collection method: curation. Allele origin: germline.
Comment: The ATM c.5755C>G (p.Q1919E) variant has not been reported in literature to our knowledge. This variant was not observed in the large and broad cohorts of the Genome Aggregation Database (PMID: 32461654). This variant has not been reported in ClinVar. Functional studies have not been performed, and in silico predictions of the variant's effect on protein function are inconclusive. The evidence is insufficient to meet ACMG/AMP criteria for classifying the variant as benign or pathogenic. Thus, the clinical significance of this variant is currently uncertain.

Labcorp Genetics (formerly Invitae), Labcorp
Classification: Uncertain significance for Ataxia-telangiectasia syndrome. Last evaluated: 2021-01-07. Review status: criteria provided, single submitter. Criteria: Invitae Variant Classification Sherloc (09022015). Collection method: clinical testing. Allele origin: germline.
Comment: In summary, the available evidence is currently insufficient to determine the role of this variant in disease. Therefore, it has been classified as a Variant of Uncertain Significance. Advanced modeling of protein sequence and biophysical properties (such as structural, functional, and spatial information, amino acid conservation, physicochemical variation, residue mobility, and thermodynamic stability) performed at Invitae indicates that this missense variant is not expected to disrupt ATM protein function. This variant has not been reported in the literature in individuals with ATM-related conditions. This variant is not present in population databases (ExAC no frequency). This sequence change replaces glutamine with glutamic acid at codon 1919 of the ATM protein (p.Gln1919Glu). The glutamine residue is highly conserved and there is a small physicochemical difference between glutamine and glutamic acid.